The following is an entry in ClinVar:

NM_152703.5(SAMD9L):c.4214C>T (p.Thr1405Met)

Gene: SAMD9L (sterile alpha motif domain containing 9 like; minus strand). Cytogenetic location: 7q21.2.
Variant type: single nucleotide variant.
Coding change: c.4214C>T on transcript NM_152703.5 (MANE Select); coding-DNA position 4214, C replaced by T.
Protein change: p.Thr1405Met; replaces threonine 1405 with methionine.
Molecular consequence: missense variant.
Genome position (GRCh38, 1-based): chr7:93,131,758, G>A on the plus strand (C>T on the coding strand, the complement: SAMD9L is on the minus strand). VCF-style: chr7-93131758-G-A. GRCh37 (hg19) VCF-style: chr7-92761071-G-A.
Other names: c.4214C>T, p.Thr1405Met (NM_001303496.3, NM_001303497.3, NM_001303498.3 and 5 more transcripts); c.4214C>T (NM_152703.2); short protein forms T1405M.
Identifiers: ClinVar variation 1505881 (VCV001505881.10), dbSNP rs551455074, ClinGen allele CA4343342.

ClinVar aggregate classification (germline): Conflicting classifications of pathogenicity. Review status: criteria provided, conflicting classifications (1 of 4 stars). 3 submissions from 3 submitters: Uncertain significance (2); Likely benign (1). Last evaluated 2025-07-29.

Conditions:
Inborn genetic diseases. Identifiers: MedGen C0950123, MeSH D030342.

Allele frequency attached by ClinVar (database versions not stated): TOPMed 0.00003; gnomAD exomes 0.00005 and 0.00006; gnomAD 0.00006 and 0.00007; ExAC 0.00007; 1000 Genomes Project 30x 0.00031; 1000 Genomes Project 0.00040.

Submissions (3):

Labcorp Genetics (formerly Invitae), Labcorp
Classification: Uncertain significance. Last evaluated: 2025-07-29. Review status: criteria provided, single submitter. Criteria: Invitae Variant Classification Sherloc (09022015). Collection method: clinical testing. Allele origin: germline.
Comment: This sequence change replaces threonine, which is neutral and polar, with methionine, which is neutral and non-polar, at codon 1405 of the SAMD9L protein (p.Thr1405Met). This variant is present in population databases (rs551455074, gnomAD 0.02%), and has an allele count higher than expected for a pathogenic variant. This variant has not been reported in the literature in individuals affected with SAMD9L-related conditions. ClinVar contains an entry for this variant (Variation ID: 1505881). Invitae Evidence Modeling of protein sequence and biophysical properties (such as structural, functional, and spatial information, amino acid conservation, physicochemical variation, residue mobility, and thermodynamic stability) indicates that this missense variant is not expected to disrupt SAMD9L protein function with a negative predictive value of 80%. In summary, the available evidence is currently insufficient to determine the role of this variant in disease. Therefore, it has been classified as a Variant of Uncertain Significance.

Ambry Genetics
Classification: Likely benign for Inborn genetic diseases. Last evaluated: 2024-11-17. Review status: criteria provided, single submitter. Criteria: Ambry Variant Classification Scheme 2023. Collection method: clinical testing. Allele origin: germline.

GeneDx
Classification: Uncertain significance. Last evaluated: 2024-04-16. Review status: criteria provided, single submitter. Criteria: GeneDx Variant Classification Process June 2021. Collection method: clinical testing. Allele origin: germline. Affected: yes.
Comment: In silico analysis indicates that this missense variant does not alter protein structure/function; Has not been previously published as pathogenic or benign to our knowledge